The following is an entry in ClinVar:

ClinVar aggregate classification (germline): Uncertain significance. Review status: criteria provided, multiple submitters, no conflicts (2 of 4 stars). 5 submissions from 5 submitters: Uncertain significance (5). Last evaluated 2026-01-05.

Conditions:
Inborn genetic diseases. Identifiers: MedGen C0950123, MeSH D030342.
Fanconi anemia (FA). Also called: Fanconi's anemia. Identifiers: Orphanet 84, MedGen C0015625, MeSH D005199, MONDO:0019391.

Allele frequency attached by ClinVar (database versions not stated): gnomAD 0.00001; TOPMed 0.00001; ExAC 0.00004.
gnomAD v4.1: 18 of 1,613,798 alleles (0.0011%); highest among the groups gnomAD compares: East Asian, 0.04%; no homozygotes.

Submissions (5):

Labcorp Genetics (formerly Invitae), Labcorp
Classification: Uncertain significance for Fanconi anemia. Last evaluated: 2026-01-05. Review status: criteria provided, single submitter. Criteria: Invitae Variant Classification Sherloc (09022015). Collection method: clinical testing. Allele origin: germline.
Comment: This sequence change replaces isoleucine, which is neutral and non-polar, with methionine, which is neutral and non-polar, at codon 503 of the FANCM protein (p.Ile503Met). This variant is present in population databases (rs764033368, gnomAD 0.09%). This variant has not been reported in the literature in individuals affected with FANCM-related conditions. ClinVar contains an entry for this variant (Variation ID: 664955). An algorithm developed to predict the effect of missense changes on protein structure and function (PolyPhen-2) suggests that this variant is likely to be disruptive. In summary, the available evidence is currently insufficient to determine the role of this variant in disease. Therefore, it has been classified as a Variant of Uncertain Significance.

Quest Diagnostics Nichols Institute San Juan Capistrano
Classification: Uncertain significance. Last evaluated: 2025-10-17. Review status: criteria provided, single submitter. Criteria: Quest Diagnostics criteria. Collection method: clinical testing. Allele origin: unknown.
Comment: The FANCM c.1509T>G (p.Ile503Met) variant has been identified in individuals with breast cancer and in reportedly unaffected individuals in a case-control study (PMID: 33471991 (2021), see LOVD). The frequency of this variant in the general population (Genome Aggregation Database) is higher than would generally be expected for pathogenic variants in this gene. Analysis of this variant using bioinformatics tools for the prediction of the effect of amino acid changes on protein structure and function yielded conflicting predictions that this variant is benign or damaging. Based on the available information, we are unable to determine the clinical significance of this variant.

Ambry Genetics
Classification: Uncertain significance for Inborn genetic diseases. Last evaluated: 2025-02-14. Review status: criteria provided, single submitter. Criteria: Ambry Variant Classification Scheme 2023. Collection method: clinical testing. Allele origin: germline.
Comment: The p.I503M variant (also known as c.1509T>G), located in coding exon 9 of the FANCM gene, results from a T to G substitution at nucleotide position 1509. The isoleucine at codon 503 is replaced by methionine, an amino acid with highly similar properties. This amino acid position is conserved. In addition, this alteration is predicted to be tolerated by in silico analysis. Based on the available evidence, the clinical significance of this variant remains unclear.

GeneDx
Classification: Uncertain significance. Last evaluated: 2024-05-21. Review status: criteria provided, single submitter. Criteria: GeneDx Variant Classification Process June 2021. Collection method: clinical testing. Allele origin: germline. Affected: yes.
Comment: In silico analysis supports that this missense variant has a deleterious effect on protein structure/function; Has not been previously published as pathogenic or benign to our knowledge

Blueprint Genetics
Classification: Uncertain significance. Last evaluated: 2021-07-30. Review status: criteria provided, single submitter. Criteria: ACMG Guidelines, 2015. Collection method: clinical testing. Allele origin: germline.

Literature cited by the submitters: PubMed 33471991 (cited by Quest Diagnostics Nichols Institute San Juan Capistrano).

NM_020937.4(FANCM):c.1509T>G (p.Ile503Met)

Gene: FANCM (FA complementation group M; plus strand). Cytogenetic location: 14q21.2.
Variant type: single nucleotide variant.
Coding change: c.1509T>G on transcript NM_020937.4 (MANE Select); coding-DNA position 1509, T replaced by G.
Protein change: p.Ile503Met; replaces isoleucine 503 with methionine.
Molecular consequence: missense variant.
Genome position (GRCh38, 1-based): chr14:45,159,208, T>G. VCF-style: chr14-45159208-T-G. GRCh37 (hg19) VCF-style: chr14-45628411-T-G.
Other names: c.1431T>G, p.Ile477Met (NM_001308133.2); c.1509T>G, p.Ile503Met (NM_001308134.2); c.1509T>G (NM_020937.3); short protein forms I477M, I503M.
Identifiers: ClinVar variation 664955 (VCV000664955.16), dbSNP rs764033368, ClinGen allele CA7169067.